The following is an entry in ClinVar:

ClinVar aggregate classification (germline): Uncertain significance. Review status: criteria provided, multiple submitters, no conflicts (2 of 4 stars). 4 submissions from 4 submitters: Uncertain significance (4). Last evaluated 2026-06-26.

Conditions:
DMXL2-related disorder. Also called: DMXL2-related condition.
Inborn genetic diseases. Identifiers: MedGen C0950123, MeSH D030342.

Allele frequency attached by ClinVar (database versions not stated): gnomAD 0.00007; TOPMed 0.00008; ExAC 0.00012.
gnomAD v4.1: 59 of 1,611,646 alleles (0.0037%); highest among the groups gnomAD compares: Admixed American, 0.017%; no homozygotes.

Submissions (4):

PreventionGenetics, part of Exact Sciences
Classification: Uncertain significance for DMXL2-related condition. Last evaluated: 2026-06-26. Review status: criteria provided, single submitter. Criteria: ACMG Guidelines, 2015. Collection method: clinical testing. Allele origin: germline.
Comment: The DMXL2 c.4987G>A variant is predicted to result in the amino acid substitution p.Ala1663Thr. To our knowledge, this variant has not been reported in the literature. This variant is reported in 0.014% of alleles in individuals of Latino descent in gnomAD. At this time, the clinical significance of this variant is uncertain due to the absence of conclusive functional and genetic evidence.

Ambry Genetics
Classification: Uncertain significance for Inborn genetic diseases. Last evaluated: 2025-01-22. Review status: criteria provided, single submitter. Criteria: Ambry Variant Classification Scheme 2023. Collection method: clinical testing. Allele origin: germline.

Blueprint Genetics
Classification: Uncertain significance. Last evaluated: 2024-10-24. Review status: criteria provided, single submitter. Criteria: ACMG Guidelines, 2015. Collection method: clinical testing. Allele origin: germline.

Labcorp Genetics (formerly Invitae), Labcorp
Classification: Uncertain significance. Last evaluated: 2024-01-08. Review status: criteria provided, single submitter. Criteria: Invitae Variant Classification Sherloc (09022015). Collection method: clinical testing. Allele origin: germline.
Comment: This sequence change replaces alanine, which is neutral and non-polar, with threonine, which is neutral and polar, at codon 1663 of the DMXL2 protein (p.Ala1663Thr). This variant is present in population databases (rs746612766, gnomAD 0.01%). This variant has not been reported in the literature in individuals affected with DMXL2-related conditions. ClinVar contains an entry for this variant (Variation ID: 1990199). An algorithm developed to predict the effect of missense changes on protein structure and function (PolyPhen-2) suggests that this variant is likely to be disruptive. In summary, the available evidence is currently insufficient to determine the role of this variant in disease. Therefore, it has been classified as a Variant of Uncertain Significance.

NM_001378457.1(DMXL2):c.4987G>A (p.Ala1663Thr)

Gene: DMXL2 (Dmx like 2; minus strand). Cytogenetic location: 15q21.2.
Variant type: single nucleotide variant.
Coding change: c.4987G>A on transcript NM_001378457.1 (MANE Select); coding-DNA position 4987, G replaced by A.
Protein change: p.Ala1663Thr; replaces alanine 1663 with threonine.
Molecular consequence: missense variant. On other transcripts: non-coding transcript variant (2).
Genome position (GRCh38, 1-based): chr15:51,488,612, C>T on the plus strand (G>A on the coding strand, the complement: DMXL2 is on the minus strand). VCF-style: chr15-51488612-C-T. GRCh37 (hg19) VCF-style: chr15-51780809-C-T.
Other names: c.4987G>A, p.Ala1663Thr (NM_001174116.3, NM_001378458.1, NM_001378459.1 and 4 more transcripts); c.3079G>A, p.Ala1027Thr (NM_001174117.3); c.2968G>A, p.Ala990Thr (NM_001378460.1); c.4747G>A, p.Ala1583Thr (NM_001378464.1); short protein forms A1663T, A1583T, A1027T, A990T.
Identifiers: ClinVar variation 1990199 (VCV001990199.6), dbSNP rs746612766, ClinGen allele CA7561890.